The following is an entry in ClinVar:

ClinVar aggregate classification (germline): Benign/Likely benign. Review status: criteria provided, multiple submitters, no conflicts (2 of 4 stars). 2 submissions from 2 submitters: Benign (1); Likely benign (1). Last evaluated 2019-10-17.

Conditions:
Leigh syndrome (NULS). Also called: LEIGH SYNDROME, NUCLEAR; Leigh's necrotizing encephalopathy; Leigh's disease; Leigh Syndrome (mtDNA deletion); Leigh's syndrome; Leigh Disease. Identifiers: Orphanet 506, MedGen C2931891, MONDO:0009723, OMIM 256000.

Submissions (2):

Wong Mito Lab, Molecular and Human Genetics, Baylor College of Medicine
Classification: Benign for Leigh syndrome. Last evaluated: 2019-10-17. Review status: criteria provided, single submitter. Criteria: Modified ACMG Guidelines (Unpublished). Collection method: clinical testing. Allele origin: germline.
Comment: The NC_012920.1:m.14002A>G (YP_003024036.1:p.Thr556Ala) variant in MTND5 gene is interpretated to be a Benign variant based on the modified ACMG guidelines (unpublished). This variant meets the following evidence codes: BS1, BS2, BP4

Center for Pediatric Genomic Medicine, Children's Mercy Hospital and Clinics
Classification: Likely benign. Last evaluated: 2017-03-09. Review status: criteria provided, single submitter. Criteria: ACMG Guidelines, 2015. Collection method: clinical testing. Allele origin: germline.

NC_012920.1(MT-ND5):m.14002A>G

Gene: MT-ND5 (mitochondrially encoded NADH dehydrogenase 5; plus strand).
Variant type: single nucleotide variant.
Genome position: chrM-14002-A-G.
Identifiers: ClinVar variation 445967 (VCV000445967.3), dbSNP rs386829198, ClinGen allele CA337099888.